The following is an entry in ClinVar:

NM_016616.5(NME8):c.401C>T (p.Pro134Leu)

Gene: NME8 (NME/NM23 family member 8; plus strand). Cytogenetic location: 7p14.1.
Variant type: single nucleotide variant.
Coding change: c.401C>T on transcript NM_016616.5 (MANE Select); coding-DNA position 401, C replaced by T.
Protein change: p.Pro134Leu; replaces proline 134 with leucine.
Molecular consequence: missense variant.
Genome position (GRCh38, 1-based): chr7:37,863,409, C>T. VCF-style: chr7-37863409-C-T. GRCh37 (hg19) VCF-style: chr7-37903011-C-T.
Other names: short protein forms P134L.
Identifiers: ClinVar variation 409674 (VCV000409674.14), dbSNP rs369201077, ClinGen allele CA4222179.

ClinVar aggregate classification (germline): Conflicting classifications of pathogenicity. Review status: criteria provided, conflicting classifications (1 of 4 stars). 3 submissions from 3 submitters: Uncertain significance (1); Likely benign (2). Last evaluated 2025-11-04.

Conditions:
Primary ciliary dyskinesia 6. Also called: Primary Ciliary Dyskinesia 6: TXNDC3-Related Primary Ciliary Dyskinesia. Identifiers: Orphanet 244, MedGen C1970506, MONDO:0012571, OMIM 610852.
Primary ciliary dyskinesia. Also called: Ciliary dyskinesia. Identifiers: Orphanet 244, MedGen C0008780, MONDO:0016575, HP:0012265.

Allele frequency attached by ClinVar (database versions not stated): gnomAD 0.00002; gnomAD exomes 0.00003 and 0.00014; TOPMed 0.00005; ESP Exome Variant Server 0.00008; ExAC 0.00009.
gnomAD v4.1: 42 of 1,586,682 alleles (0.0026%); highest among the groups gnomAD compares: Admixed American, 0.068%; no homozygotes.

Submissions (3):

Labcorp Genetics (formerly Invitae), Labcorp
Classification: Uncertain significance for Primary ciliary dyskinesia 6. Last evaluated: 2025-11-04. Review status: criteria provided, single submitter. Criteria: Invitae Variant Classification Sherloc (09022015). Collection method: clinical testing. Allele origin: germline.
Comment: This sequence change replaces proline, which is neutral and non-polar, with leucine, which is neutral and non-polar, at codon 134 of the NME8 protein (p.Pro134Leu). This variant is present in population databases (rs369201077, gnomAD 0.1%), and has an allele count higher than expected for a pathogenic variant. This variant has not been reported in the literature in individuals affected with NME8-related conditions. ClinVar contains an entry for this variant (Variation ID: 409674). Invitae Evidence Modeling of protein sequence and biophysical properties (such as structural, functional, and spatial information, amino acid conservation, physicochemical variation, residue mobility, and thermodynamic stability) indicates that this missense variant is not expected to disrupt NME8 protein function with a negative predictive value of 80%. In summary, the available evidence is currently insufficient to determine the role of this variant in disease. Therefore, it has been classified as a Variant of Uncertain Significance.

Ambry Genetics
Classification: Likely benign for Primary ciliary dyskinesia. Last evaluated: 2024-03-07. Review status: criteria provided, single submitter. Criteria: Ambry Variant Classification Scheme 2023. Collection method: clinical testing. Allele origin: germline.

Laboratory for Molecular Medicine, Mass General Brigham Personalized Medicine
Classification: Likely benign. Last evaluated: 2016-04-14. Review status: criteria provided, single submitter. Criteria: LMM Criteria. Collection method: clinical testing. Allele origin: germline. Observed: 1 variant allele.
Comment: p.Pro134Leu in exon 8 of NME8: This variant is not expected to have clinical sig nificance due to a lack of conservation in mammals (11 have a leucine (Leu) at t his position) as well as its frequency in the general population (0.1% (11/11520 ) of Latino chromosomes sequenced by the Exome Aggregation Consortium (ExAC; dbSNP rs369201077).